The following is an entry in ClinVar:

NM_001374828.1(ARID1B):c.6042C>T (p.Asp2014=)

Gene: ARID1B (AT-rich interaction domain 1B; plus strand). Cytogenetic location: 6q25.3.
Variant type: single nucleotide variant.
Coding change: c.6042C>T on transcript NM_001374828.1 (MANE Select); coding-DNA position 6042, C replaced by T.
Protein change: p.Asp2014=; no amino-acid change (aspartic acid 2014 retained).
Molecular consequence: synonymous variant.
Genome position (GRCh38, 1-based): chr6:157,206,814, C>T. VCF-style: chr6-157206814-C-T. GRCh37 (hg19) VCF-style: chr6-157527948-C-T.
Other names: c.5793C>T, p.Asp1931= (NM_001346813.1); c.3543C>T, p.Asp1181= (NM_001363725.2); c.5922C>T, p.Asp1974= (NM_001371656.1, NM_001374820.1); c.5883C>T, p.Asp1961= (NM_017519.3); c.5673C>T, p.Asp1891= (NM_020732.3); c.5460C>T, p.Asp1820= (NM_175863.2).
Identifiers: ClinVar variation 2044306 (VCV002044306.28), dbSNP rs562880858, ClinGen allele CA4067947.

ClinVar aggregate classification (germline): Benign/Likely benign. Review status: criteria provided, multiple submitters, no conflicts (2 of 4 stars). 2 submissions from 2 submitters: Benign (1); Likely benign (1). Last evaluated 2025-07-25.

Allele frequency attached by ClinVar (database versions not stated): gnomAD exomes 0.00002; ExAC 0.00005; gnomAD 0.00005; TOPMed 0.00008; 1000 Genomes Project 30x 0.00047; 1000 Genomes Project 0.00060.
gnomAD v4.1: 39 of 1,614,044 alleles (0.0024%); highest among the groups gnomAD compares: East Asian, 0.016%; no homozygotes.

Submissions (2):

Labcorp Genetics (formerly Invitae), Labcorp
Classification: Benign. Last evaluated: 2025-07-25. Review status: criteria provided, single submitter. Criteria: Invitae Variant Classification Sherloc (09022015). Collection method: clinical testing. Allele origin: germline.

CeGaT Center for Human Genetics Tuebingen
Classification: Likely benign. Last evaluated: 2022-11-01. Review status: criteria provided, single submitter. Criteria: CeGaT Center For Human Genetics Tuebingen Variant Classification Criteria Version 2. Collection method: clinical testing. Allele origin: germline. Affected: yes. Observed: 1 variant allele.
Comment: ARID1B: BP4, BP7